The following is an entry in ClinVar:

ClinVar aggregate classification (germline): Benign/Likely benign. Review status: criteria provided, multiple submitters, no conflicts (2 of 4 stars). 6 submissions from 6 submitters: Benign (2); Likely benign (3). 1 of the submissions does not count toward it. Last evaluated 2026-02-01.

Conditions:
Inborn genetic diseases. Identifiers: MedGen C0950123, MeSH D030342.
MACF1-related disorder. Also called: MACF1-related condition.
Lissencephaly 9 with complex brainstem malformation. Identifiers: Orphanet 572013, MedGen C5193029, MONDO:0032677, OMIM 618325.

Allele frequency attached by ClinVar (database versions not stated): gnomAD exomes 0.00028; ExAC 0.00096; gnomAD 0.00296; TOPMed 0.00311; 1000 Genomes Project 0.00359; 1000 Genomes Project 30x 0.00359; ESP Exome Variant Server 0.00361.
gnomAD v4.1: 878 of 1,614,086 alleles (0.054%); highest among the groups gnomAD compares: African/African-American, 1.1%; 6 homozygotes.

Submissions (6):

CeGaT Center for Human Genetics Tuebingen
Classification: Likely benign. Last evaluated: 2026-02-01. Review status: criteria provided, single submitter. Criteria: CeGaT Center For Human Genetics Tuebingen Variant Classification Criteria Version 2. Collection method: clinical testing. Allele origin: germline. Affected: yes. Observed: 1 variant allele.
Comment: MACF1: BP4, BS1

Labcorp Genetics (formerly Invitae), Labcorp
Classification: Benign. Last evaluated: 2025-12-23. Review status: criteria provided, single submitter. Criteria: Invitae Variant Classification Sherloc (09022015). Collection method: clinical testing. Allele origin: germline.

Blueprint Genetics
Classification: Likely benign. Last evaluated: 2024-06-26. Review status: criteria provided, single submitter. Criteria: ACMG Guidelines, 2015. Collection method: clinical testing. Allele origin: germline.

Genome-Nilou Lab
Classification: Benign for Lissencephaly 9 with complex brainstem malformation. Last evaluated: 2023-04-11. Review status: criteria provided, single submitter. Criteria: ACMG Guidelines, 2015. Collection method: clinical testing. Allele origin: germline. Affected: no.

Ambry Genetics
Classification: Likely benign for Inborn genetic diseases. Last evaluated: 2022-05-25. Review status: criteria provided, single submitter. Criteria: Ambry Variant Classification Scheme 2023. Collection method: clinical testing. Allele origin: germline.

PreventionGenetics, part of Exact Sciences
Classification: Benign for MACF1-related condition. Last evaluated: 2024-01-18. Review status: no assertion criteria provided. Collection method: clinical testing. Allele origin: germline. Not counted in ClinVar's aggregate classification.
Comment: This variant is classified as benign based on ACMG/AMP sequence variant interpretation guidelines (Richards et al. 2015 PMID: 25741868, with internal and published modifications).

NM_001394062.1(MACF1):c.11260G>A (p.Val3754Ile)

Gene: MACF1 (microtubule actin crosslinking factor 1; plus strand). Cytogenetic location: 1p34.3.
Variant type: single nucleotide variant.
Coding change: c.11260G>A on transcript NM_001394062.1 (MANE Select); coding-DNA position 11260, G replaced by A.
Protein change: p.Val3754Ile; replaces valine 3754 with isoleucine.
Molecular consequence: missense variant.
Genome position (GRCh38, 1-based): chr1:39,353,067, G>A. VCF-style: chr1-39353067-G-A. GRCh37 (hg19) VCF-style: chr1-39818739-G-A.
Other names: c.5074G>A, p.Val1692Ile (NM_012090.5); short protein forms V1692I, V3754I.
Identifiers: ClinVar variation 2042793 (VCV002042793.13), dbSNP rs79847802, ClinGen allele CA781553.